The following is an entry in ClinVar:

NM_005751.5(AKAP9):c.6459A>G (p.Val2153=)

Gene: AKAP9 (A-kinase anchoring protein 9; plus strand). Cytogenetic location: 7q21.2.
Variant type: single nucleotide variant.
Coding change: c.6459A>G on transcript NM_005751.5 (MANE Select); coding-DNA position 6459, A replaced by G.
Protein change: p.Val2153=; no amino-acid change (valine 2153 retained).
Molecular consequence: synonymous variant.
Genome position (GRCh38, 1-based): chr7:92,070,158, A>G. VCF-style: chr7-92070158-A-G. GRCh37 (hg19) VCF-style: chr7-91699472-A-G.
Other names: c.1104A>G, p.Val368= (NM_001379277.1); c.6459A>G, p.Val2153= (NM_147185.3).
Identifiers: ClinVar variation 2174245 (VCV002174245.4), dbSNP rs2535218713, ClinGen allele CA456455493.

ClinVar aggregate classification (germline): Uncertain significance (1 of 4 stars; one submission).

Conditions:
Long QT syndrome (LQTS). Identifiers: MedGen C0023976, MeSH D008133, MONDO:0002442. Disease mechanism: loss of function. Inheritance: Various modes of inheritance.

Submission:

Labcorp Genetics (formerly Invitae), Labcorp
Classification: Uncertain significance for Long QT syndrome. Last evaluated: 2022-09-01. Review status: criteria provided, single submitter. Criteria: Invitae Variant Classification Sherloc (09022015). Collection method: clinical testing. Allele origin: germline.
Comment: In summary, the available evidence is currently insufficient to determine the role of this variant in disease. Therefore, it has been classified as a Variant of Uncertain Significance. Algorithms developed to predict the effect of sequence changes on RNA splicing suggest that this variant may disrupt the consensus splice site. This variant has not been reported in the literature in individuals affected with AKAP9-related conditions. This variant is not present in population databases (gnomAD no frequency). This sequence change affects codon 2153 of the AKAP9 mRNA. It is a 'silent' change, meaning that it does not change the encoded amino acid sequence of the AKAP9 protein.